The following is an entry in ClinVar:

NM_001042492.3(NF1):c.2615A>T (p.Glu872Val)

Gene: NF1 (neurofibromin 1; plus strand). Cytogenetic location: 17q11.2.
Variant type: single nucleotide variant.
Coding change: c.2615A>T on transcript NM_001042492.3 (MANE Select); coding-DNA position 2615, A replaced by T.
Protein change: p.Glu872Val; replaces glutamic acid 872 with valine.
Molecular consequence: missense variant.
Genome position (GRCh38, 1-based): chr17:31,229,230, A>T. VCF-style: chr17-31229230-A-T. GRCh37 (hg19) VCF-style: chr17-29556248-A-T.
Other names: c.2615A>T, p.Glu872Val (NM_000267.4); short protein forms E872V.
Identifiers: ClinVar variation 3404736 (VCV003404736.1).

ClinVar aggregate classification (germline): Uncertain significance (1 of 4 stars; one submission).

Conditions:
Hereditary cancer-predisposing syndrome. Also called: Hereditary Cancer Syndrome; Tumor predisposition; Hereditary neoplastic syndrome; Neoplastic Syndromes, Hereditary. Identifiers: Orphanet 140162, MedGen C0027672, MeSH D009386, MONDO:0015356.
Cardiovascular phenotype. Identifiers: MedGen CN230736.

Submission:

Ambry Genetics
Classification: Uncertain significance for Cardiovascular phenotype; Hereditary cancer-predisposing syndrome. Last evaluated: 2024-09-06. Review status: criteria provided, single submitter. Criteria: Ambry Variant Classification Scheme 2023. Collection method: clinical testing. Allele origin: germline.
Comment: The p.E872V variant (also known as c.2615A>T), located in coding exon 21 of the NF1 gene, results from an A to T substitution at nucleotide position 2615. The glutamic acid at codon 872 is replaced by valine, an amino acid with dissimilar properties. This amino acid position is conserved. In addition, the in silico prediction for this alteration is inconclusive. Based on the available evidence, the clinical significance of this variant remains unclear.